The following is an entry in ClinVar:

NM_001852.4(COL9A2):c.1759G>A (p.Ala587Thr)

Gene: COL9A2 (collagen type IX alpha 2 chain; minus strand). Cytogenetic location: 1p34.2.
Variant type: single nucleotide variant.
Coding change: c.1759G>A on transcript NM_001852.4 (MANE Select); coding-DNA position 1759, G replaced by A.
Protein change: p.Ala587Thr; replaces alanine 587 with threonine.
Molecular consequence: missense variant.
Genome position (GRCh38, 1-based): chr1:40,302,654, C>T on the plus strand (G>A on the coding strand, the complement: COL9A2 is on the minus strand). VCF-style: chr1-40302654-C-T. GRCh37 (hg19) VCF-style: chr1-40768326-C-T.
Other names: short protein forms A587T.
Identifiers: ClinVar variation 2808833 (VCV002808833.3), dbSNP rs2522476018, ClinGen allele CA339875906.
Genomic context (GRCh38, chr1:40,302,654, plus strand): 5'-CCATGCCCACCGCAGAGGAGCACTCACCCTTGGGCCCCGTGTTGCCGATCTGACCCACGG[C>T]TCCCACGATGCCAGGAACGCCCCGAGGGCCAGGGTGCCCATGGGGGCCCTGCTTGCCTGG-3'
Protein context (NP_001843.1, residues 577-597): GPRGVPGIVG[Ala587Thr]VGQIGNTGPK

ClinVar aggregate classification (germline): Uncertain significance (1 of 4 stars; one submission).

Allele frequency attached by ClinVar (database versions not stated): gnomAD exomes below 0.00001.

Submission:

Labcorp Genetics (formerly Invitae), Labcorp
Classification: Uncertain significance. Last evaluated: 2023-11-29. Review status: criteria provided, single submitter. Criteria: Invitae Variant Classification Sherloc (09022015). Collection method: clinical testing. Allele origin: germline.
Comment: This sequence change replaces alanine, which is neutral and non-polar, with threonine, which is neutral and polar, at codon 587 of the COL9A2 protein (p.Ala587Thr). This variant is not present in population databases (gnomAD no frequency). This variant has not been reported in the literature in individuals affected with COL9A2-related conditions. Advanced modeling of protein sequence and biophysical properties (such as structural, functional, and spatial information, amino acid conservation, physicochemical variation, residue mobility, and thermodynamic stability) performed at Invitae indicates that this missense variant is not expected to disrupt COL9A2 protein function with a negative predictive value of 95%. In summary, the available evidence is currently insufficient to determine the role of this variant in disease. Therefore, it has been classified as a Variant of Uncertain Significance.